The following is an entry in ClinVar:

NM_002382.5(MAX):c.370A>C (p.Thr124Pro)

Gene: MAX (MYC associated transcriptional regulator X; minus strand). Cytogenetic location: 14q23.3.
Variant type: single nucleotide variant.
Coding change: c.370A>C on transcript NM_002382.5 (MANE Select); coding-DNA position 370, A replaced by C.
Protein change: p.Thr124Pro; replaces threonine 124 with proline.
Molecular consequence: missense variant. On other transcripts: 3 prime UTR variant (12), non-coding transcript variant (7), intron variant (2).
Genome position (GRCh38, 1-based): chr14:65,076,589, T>G on the plus strand (A>C on the coding strand, the complement: MAX is on the minus strand). VCF-style: chr14-65076589-T-G. GRCh37 (hg19) VCF-style: chr14-65543307-T-G.
Other names: c.181A>C, p.Thr61Pro (NM_001320415.2, NM_001407105.1, NM_001407106.1 and 1 more transcripts); c.370A>C, p.Thr124Pro (NM_001407094.1); c.343A>C, p.Thr115Pro (NM_001407095.1, NM_145112.3); c.*143A>C (NM_001407096.1, NM_001407099.1, NM_001407102.1 and 2 more transcripts); c.*159A>C (NM_001407097.1, NM_001407100.1, NM_001407101.1 and 4 more transcripts); c.262A>C, p.Thr88Pro (NM_001407098.1); c.169A>C, p.Thr57Pro (NM_001407111.1, NM_001407112.1); c.144+17119A>C (NM_001271069.2); and 1 more; short protein forms T124P, T115P, T61P, T88P, T57P.
Identifiers: ClinVar variation 3543685 (VCV003543685.1).

ClinVar aggregate classification (germline): Uncertain significance (1 of 4 stars; one submission).

Conditions:
Hereditary cancer-predisposing syndrome. Also called: Hereditary Cancer Syndrome; Hereditary neoplastic syndrome; Tumor predisposition; Neoplastic Syndromes, Hereditary. Identifiers: Orphanet 140162, MedGen C0027672, MeSH D009386, MONDO:0015356.

Submission:

Ambry Genetics
Classification: Uncertain significance for Hereditary cancer-predisposing syndrome. Last evaluated: 2024-07-28. Review status: criteria provided, single submitter. Criteria: Ambry Variant Classification Scheme 2023. Collection method: clinical testing. Allele origin: germline.
Comment: The p.T124P variant (also known as c.370A>C), located in coding exon 5 of the MAX gene, results from an A to C substitution at nucleotide position 370. The threonine at codon 124 is replaced by proline, an amino acid with highly similar properties. This amino acid position is conserved. In addition, this alteration is predicted to be deleterious by in silico analysis. Based on the available evidence, the clinical significance of this variant remains unclear.